The following is an entry in ClinVar:

NM_001148.6(ANK2):c.8725C>A (p.Pro2909Thr)

Gene: ANK2 (ankyrin 2; plus strand). Cytogenetic location: 4q26.
Variant type: single nucleotide variant.
Coding change: c.8725C>A on transcript NM_001148.6 (MANE Select); coding-DNA position 8725, C replaced by A.
Protein change: p.Pro2909Thr; replaces proline 2909 with threonine.
Molecular consequence: missense variant. On other transcripts: intron variant (68).
Genome position (GRCh38, 1-based): chr4:113,357,343, C>A. VCF-style: chr4-113357343-C-A. GRCh37 (hg19) VCF-style: chr4-114278499-C-A.
Other names: c.8491C>A, p.Pro2831Thr (NM_001386142.1); c.5125C>A, p.Pro1709Thr (NM_001386166.1); c.8866C>A, p.Pro2956Thr (NM_001386174.1); c.8842C>A, p.Pro2948Thr (NM_001386175.1); c.4412-3480C>A (NM_001386186.2, NM_001386148.2); c.4214-3480C>A (NM_001354269.3); c.4292-3480C>A (NM_001386187.2); c.4253-3480C>A (NM_001386147.1); and 35 more; short protein forms P1709T, P2831T, P2948T, P2956T, P2909T.
Identifiers: ClinVar variation 2565302 (VCV002565302.2), dbSNP rs2095857090, ClinGen allele CA357934694.
Genomic context (GRCh38, chr4:113,357,343, plus strand): 5'-GACTGCCCCTCTCAAGACTCATCCATTACTACTCAAACAGATAGATTTTCCATGGATGTT[C>A]CCGTGTCTGACCTAGCTGAGAATGATGAAATCTATGATCCACAAATCACTAGCCCTTATG-3'
Protein context (NP_001139.3, residues 2899-2919): TQTDRFSMDV[Pro2909Thr]VSDLAENDEI

ClinVar aggregate classification (germline): Uncertain significance (1 of 4 stars; one submission).

Conditions:
Cardiovascular phenotype. Identifiers: MedGen CN230736.

Submission:

Ambry Genetics
Classification: Uncertain significance for Cardiovascular phenotype. Last evaluated: 2023-05-02. Review status: criteria provided, single submitter. Criteria: Ambry Variant Classification Scheme 2023. Collection method: clinical testing. Allele origin: germline.
Comment: The p.P2909T variant (also known as c.8725C>A), located in coding exon 38 of the ANK2 gene, results from a C to A substitution at nucleotide position 8725. The proline at codon 2909 is replaced by threonine, an amino acid with highly similar properties. This amino acid position is well conserved in available vertebrate species. In addition, this alteration is predicted to be tolerated by in silico analysis. Since supporting evidence is limited at this time, the clinical significance of this alteration remains unclear.